The following is an entry in ClinVar:

ClinVar aggregate classification (germline): Conflicting classifications of pathogenicity. Review status: criteria provided, conflicting classifications (1 of 4 stars). 3 submissions from 3 submitters: Uncertain significance (2); Likely benign (1). Last evaluated 2026-06-30.

Conditions:
ITSN2-related disorder. Also called: ITSN2-related condition.

Allele frequency attached by ClinVar (database versions not stated): 1000 Genomes Project 0.00040; ExAC 0.00055; TOPMed 0.00079; gnomAD 0.00088; ESP Exome Variant Server 0.00115; gnomAD exomes 0.00160; 1000 Genomes Project 30x 0.00031.

Submissions (3):

PreventionGenetics, part of Exact Sciences
Classification: Likely benign for ITSN2-related condition. Last evaluated: 2026-06-30. Review status: criteria provided, single submitter. Criteria: ACMG Guidelines, 2015. Collection method: clinical testing. Allele origin: germline.
Comment: This variant is classified as likely benign based on ACMG/AMP sequence variant interpretation guidelines (Richards et al. 2015 PMID: 25741868, with internal and published modifications).

Labcorp Genetics (formerly Invitae), Labcorp
Classification: Uncertain significance. Last evaluated: 2025-11-24. Review status: criteria provided, single submitter. Criteria: Invitae Variant Classification Sherloc (09022015). Collection method: clinical testing. Allele origin: germline.
Comment: This sequence change replaces isoleucine, which is neutral and non-polar, with threonine, which is neutral and polar, at codon 1022 of the ITSN2 protein (p.Ile1022Thr). This variant is present in population databases (rs144152229, gnomAD 0.1%), and has an allele count higher than expected for a pathogenic variant. This variant has not been reported in the literature in individuals affected with ITSN2-related conditions. ClinVar contains an entry for this variant (Variation ID: 2397036). Experimental studies and prediction algorithms are not available or were not evaluated, and the functional significance of this variant is currently unknown. In summary, the available evidence is currently insufficient to determine the role of this variant in disease. Therefore, it has been classified as a Variant of Uncertain Significance.

Ambry Genetics
Classification: Uncertain significance. Last evaluated: 2024-10-09. Review status: criteria provided, single submitter. Criteria: Ambry Variant Classification Scheme 2023. Collection method: clinical testing. Allele origin: germline.

NM_006277.3(ITSN2):c.3065T>C (p.Ile1022Thr)

Gene: ITSN2 (intersectin 2; minus strand). Cytogenetic location: 2p23.3.
Variant type: single nucleotide variant.
Coding change: c.3065T>C on transcript NM_006277.3 (MANE Select); coding-DNA position 3065, T replaced by C.
Protein change: p.Ile1022Thr; replaces isoleucine 1022 with threonine.
Molecular consequence: missense variant.
Genome position (GRCh38, 1-based): chr2:24,252,400, A>G on the plus strand (T>C on the coding strand, the complement: ITSN2 is on the minus strand). VCF-style: chr2-24252400-A-G. GRCh37 (hg19) VCF-style: chr2-24475269-A-G.
Other names: c.2984T>C, p.Ile995Thr (NM_019595.4, NM_001348183.2); c.3065T>C, p.Ile1022Thr (NM_147152.3); c.3023T>C, p.Ile1008Thr (NM_001348181.2); c.2945T>C, p.Ile982Thr (NM_001348182.2, NM_001348186.2); c.2942T>C, p.Ile981Thr (NM_001348184.2); c.3026T>C, p.Ile1009Thr (NM_001348185.2); short protein forms I1008T, I1009T, I1022T, I981T, I982T, I995T.
Identifiers: ClinVar variation 2397036 (VCV002397036.9), dbSNP rs144152229, ClinGen allele CA1551017.